The following is an entry in ClinVar:

ClinVar aggregate classification (germline): Likely benign (1 of 4 stars; one submission).

Conditions:
SYNM-related disorder. Also called: SYNM-related condition.

Allele frequency attached by ClinVar (database versions not stated): gnomAD exomes below 0.00001.
gnomAD v4.1: 2 of 1,611,308 alleles (0.00012%); highest among the groups gnomAD compares: Non-Finnish European, 0.00017%; no homozygotes.

Submission:

PreventionGenetics, part of Exact Sciences
Classification: Likely benign for SYNM-related condition. Last evaluated: 2020-04-29. Review status: criteria provided, single submitter. Criteria: ACMG Guidelines, 2015. Collection method: clinical testing. Allele origin: germline.
Comment: This variant is classified as likely benign based on ACMG/AMP sequence variant interpretation guidelines (Richards et al. 2015 PMID: 25741868, with internal and published modifications).

NM_145728.3(SYNM):c.2906C>T (p.Ser969Phe)

Gene: SYNM (synemin; plus strand). Cytogenetic location: 15q26.3.
Variant type: single nucleotide variant.
Coding change: c.2906C>T on transcript NM_145728.3 (MANE Select); coding-DNA position 2906, C replaced by T.
Protein change: p.Ser969Phe; replaces serine 969 with phenylalanine.
Molecular consequence: missense variant.
Genome position (GRCh38, 1-based): chr15:99,131,266, C>T. VCF-style: chr15-99131266-C-T. GRCh37 (hg19) VCF-style: chr15-99671471-C-T.
Other names: c.2906C>T, p.Ser969Phe (NM_015286.6); short protein forms S969F.
Identifiers: ClinVar variation 3054038 (VCV003054038.1), dbSNP rs2543117304, ClinGen allele CA393665093.